The following is an entry in ClinVar:

ClinVar aggregate classification (germline): Pathogenic (1 of 4 stars; one submission).

Conditions:
Vici syndrome (VICIS). Identifiers: Orphanet 1493, MedGen C1855772, MONDO:0009452, OMIM 242840.

Submission:

Labcorp Genetics (formerly Invitae), Labcorp
Classification: Pathogenic for Vici syndrome. Last evaluated: 2025-10-21. Review status: criteria provided, single submitter. Criteria: Invitae Variant Classification Sherloc (09022015). Collection method: clinical testing. Allele origin: germline.
Comment: This sequence change creates a premature translational stop signal (p.Gln1341Serfs*21) in the EPG5 gene. It is expected to result in an absent or disrupted protein product. Loss-of-function variants in EPG5 are known to be pathogenic (PMID: 23222957, 23674064). This variant is not present in population databases (gnomAD no frequency). This variant has not been reported in the literature in individuals affected with EPG5-related conditions. ClinVar contains an entry for this variant (Variation ID: 1452102). For these reasons, this variant has been classified as Pathogenic.

Literature cited by the submitters: PubMed 23222957; PubMed 23674064.

NM_020964.3(EPG5):c.4020dup (p.Gln1341fs)

Gene: EPG5 (ectopic P-granules 5 autophagy tethering factor; minus strand). Cytogenetic location: 18q21.1.
Variant type: Duplication.
Coding change: c.4020dup on transcript NM_020964.3 (MANE Select); coding-DNA position 4020, one base duplicated (T; older notation c.4020dupT).
Protein change: p.Gln1341fs; shifts the reading frame from glutamine 1341.
Molecular consequence: frameshift variant.
Genome position (GRCh38, 1-based): chr18:45,910,706, A duplicated on the plus strand (T on the coding strand, the reverse complement: EPG5 is on the minus strand); the first of 6 consecutive A bases (chr18:45,910,706-45,910,711); duplicating any one gives the same sequence. VCF-style (leftmost placement, unchanged base first): chr18-45910705-G-GA. GRCh37 (hg19) VCF-style: chr18-43490670-G-GA.
Other names: short protein forms Q1341fs.
Identifiers: ClinVar variation 1452102 (VCV001452102.7), dbSNP rs2145667073, ClinGen allele CA2573155342.